The following is an entry in ClinVar:

ClinVar aggregate classification (germline): Conflicting classifications of pathogenicity. Review status: criteria provided, conflicting classifications (1 of 4 stars). 2 submissions from 2 submitters: Likely pathogenic (1); Uncertain significance (1). Last evaluated 2026-10-20.

Conditions:
Intellectual developmental disorder, autosomal dominant 53. Also called: MENTAL RETARDATION, AUTOSOMAL DOMINANT 53; Intellectual disability, autosomal dominant 53. Identifiers: MedGen C4540481, MONDO:0030919, OMIM 617798.

Submissions (2):

GeneDx
Classification: Uncertain significance. Last evaluated: 2026-10-20. Review status: criteria provided, single submitter. Criteria: GeneDx Variant Classification Process June 2021. Collection method: clinical testing. Allele origin: germline.
Comment: Apparently de novo variant in a patient with autism spectrum disorder and congenital bilateral hearing loss in the published literature (PMID: 41751633); De novo variant with confirmed parentage in patients referred for genetic testing at GeneDx with reported clinical features that are only partially consistent with the features typically observed in individuals with pathogenic variants in this gene; Not observed at significant frequency in large population cohorts (gnomAD); In silico analysis supports that this missense variant has a deleterious effect on protein structure/function; This variant is associated with the following publications: (PMID: 41751633)

MVZ Medizinische Genetik Mainz
Classification: Likely pathogenic for Intellectual developmental disorder, autosomal dominant 53. Last evaluated: 2025-09-11. Review status: criteria provided, single submitter. Criteria: UK Practice Guidelines For Variant Classification V4 01 2020. Collection method: clinical testing. Allele origin: germline. Inheritance: Autosomal dominant inheritance. Affected: yes. Observed: 1 variant allele.
Comment: ACMG Criteria: PM1,PM2_SUP,PM6_SUP,PP2,PP3

NM_015981.4(CAMK2A):c.310C>T (p.Arg104Trp)

Gene: CAMK2A (calcium/calmodulin dependent protein kinase II alpha; minus strand). Cytogenetic location: 5q32.
Variant type: single nucleotide variant.
Coding change: c.310C>T on transcript NM_015981.4 (MANE Select); coding-DNA position 310, C replaced by T.
Protein change: p.Arg104Trp; replaces arginine 104 with tryptophan.
Molecular consequence: missense variant.
Genome position (GRCh38, 1-based): chr5:150,256,794, G>A on the plus strand (C>T on the coding strand, the complement: CAMK2A is on the minus strand). VCF-style: chr5-150256794-G-A. GRCh37 (hg19) VCF-style: chr5-149636357-G-A.
Other names: c.310C>T (NM_015981.3); c.310C>T, p.Arg104Trp (NM_001363989.1, NM_001363990.1, NM_001369025.2 and 1 more transcripts); short protein forms R104W.
Identifiers: ClinVar variation 4526542 (VCV004526542.3).